The following is an entry in ClinVar:

NM_001365276.2(TNXB):c.10070G>A (p.Arg3357His)

Gene: TNXB (tenascin XB; minus strand). Cytogenetic location: 6p21.33.
Variant type: single nucleotide variant.
Coding change: c.10070G>A on transcript NM_001365276.2 (MANE Select); coding-DNA position 10070, G replaced by A.
Protein change: p.Arg3357His; replaces arginine 3357 with histidine.
Molecular consequence: missense variant.
Genome position (GRCh38, 1-based): chr6:32,047,988, C>T on the plus strand (G>A on the coding strand, the complement: TNXB is on the minus strand). VCF-style: chr6-32047988-C-T. GRCh37 (hg19) VCF-style: chr6-32015765-C-T.
Other names: c.10064G>A, p.Arg3355His (NM_019105.8); short protein forms R3355H, R3357H.
Identifiers: ClinVar variation 1201737 (VCV001201737.4), dbSNP rs369739697, ClinGen allele CA3733309.

ClinVar aggregate classification (germline): Uncertain significance. Review status: criteria provided, multiple submitters, no conflicts (2 of 4 stars). 2 submissions from 2 submitters: Uncertain significance (2). Last evaluated 2020-11-13.

Conditions:
Ehlers-Danlos syndrome due to tenascin-X deficiency (EDSCLL1). Also called: EHLERS-DANLOS SYNDROME, CLASSIC-LIKE; Ehlers-Danlos syndrome, classic-like, 1; TNXB-Related Classical-Like Ehlers-Danlos Syndrome; EDS DUE TO TNX DEFICIENCY; TNX DEFICIENCY. Identifiers: Orphanet 230839, MedGen C1848029, MONDO:0011670, OMIM 606408.
Vesicoureteral reflux 8 (VUR8). Identifiers: Orphanet 289365, MedGen C4014831, MONDO:0014422, OMIM 615963.

Allele frequency attached by ClinVar (database versions not stated): TOPMed 0.00003; gnomAD 0.00004 and 0.00003; gnomAD exomes 0.00003 and 0.00004; ExAC 0.00006; ESP Exome Variant Server 0.00012; 1000 Genomes Project 0.00020; 1000 Genomes Project 30x 0.00031.
gnomAD v4.1: 59 of 1,609,224 alleles (0.0037%); highest among the groups gnomAD compares: South Asian, 0.02%; no homozygotes.

Submissions (2):

GeneDx
Classification: Uncertain significance. Last evaluated: 2020-11-13. Review status: criteria provided, single submitter. Criteria: GeneDx Variant Classification Process June 2021. Collection method: clinical testing. Allele origin: germline. Affected: yes.
Comment: Has not been previously published as pathogenic or benign to our knowledge; In silico analysis supports that this missense variant does not alter protein structure/function

Department of Pathology and Laboratory Medicine, Sinai Health System
Classification: Uncertain significance for Ehlers-Danlos syndrome due to tenascin-X deficiency; Vesicoureteral reflux 8. Last evaluated: 2020-08-11. Review status: criteria provided, single submitter. Criteria: ACMG Guidelines, 2015. Collection method: research. Allele origin: germline.